The following is an entry in ClinVar:

NM_003590.5(CUL3):c.764C>G (p.Ser255Ter)

Gene: CUL3 (cullin 3; minus strand). Cytogenetic location: 2q36.2.
Variant type: single nucleotide variant.
Coding change: c.764C>G on transcript NM_003590.5 (MANE Select); coding-DNA position 764, C replaced by G.
Protein change: p.Ser255Ter; replaces serine 255 with a stop codon.
Molecular consequence: nonsense.
Genome position (GRCh38, 1-based): chr2:224,511,473, G>C on the plus strand (C>G on the coding strand, the complement: CUL3 is on the minus strand). VCF-style: chr2-224511473-G-C. GRCh37 (hg19) VCF-style: chr2-225376190-G-C.
Other names: c.566C>G, p.Ser189Ter (NM_001257197.2); c.782C>G, p.Ser261Ter (NM_001257198.2); short protein forms S189*, S255*, S261*.
Identifiers: ClinVar variation 4891335 (VCV004891335.1).

ClinVar aggregate classification (germline): Pathogenic (1 of 4 stars; one submission).

Submission:

GeneDx
Classification: Pathogenic. Last evaluated: 2026-03-12. Review status: criteria provided, single submitter. Criteria: GeneDx Variant Classification Process June 2021. Collection method: clinical testing. Allele origin: germline.
Comment: Reported as de novo with confirmed parentage in a patient with an orofacial cleft and in a second, unrelated patient with a neurodevelopmental disorder (PMID: 32574564, 39941308); Nonsense variant predicted to result in protein truncation or nonsense mediated decay in a gene for which loss of function is a known mechanism of disease; Not observed at significant frequency in large population cohorts (gnomAD); This variant is associated with the following publications: (PMID: 39941308, 32574564)